The following is an entry in ClinVar:

NM_001015880.2(PAPSS2):c.865+4T>C

Gene: PAPSS2 (3'-phosphoadenosine 5'-phosphosulfate synthase 2; plus strand). Cytogenetic location: 10q23.31.
Variant type: single nucleotide variant.
Coding change: c.865+4T>C on transcript NM_001015880.2 (MANE Select); 4 bases into the intron after coding-DNA position 865, T replaced by C.
Molecular consequence: intron variant.
Genome position (GRCh38, 1-based): chr10:87,715,847, T>C. VCF-style: chr10-87715847-T-C. GRCh37 (hg19) VCF-style: chr10-89475604-T-C.
Other names: c.865+4T>C (NM_004670.4).
Identifiers: ClinVar variation 1367289 (VCV001367289.5), dbSNP rs746039103, ClinGen allele CA5589570.

ClinVar aggregate classification (germline): Uncertain significance (1 of 4 stars; one submission).

Conditions:
Spondyloepimetaphyseal dysplasia, PAPSS2 type. Also called: BRACHYOLMIA TYPE 4 WITH MILD EPIPHYSEAL AND METAPHYSEAL CHANGES; SPONDYLODYSPLASIA AND PREMATURE PUBARCHE; SEMD, PAKISTANI TYPE. Identifiers: Orphanet 93282, MedGen C2748516, MONDO:0019666, OMIM 612847.

Allele frequency attached by ClinVar (database versions not stated): gnomAD 0.00001; gnomAD exomes 0.00001 and 0.00002; ExAC 0.00002; TOPMed 0.00002.
gnomAD v4.1: 8 of 1,512,634 alleles (0.00053%); highest among the groups gnomAD compares: Admixed American, 0.013%; no homozygotes.

Submission:

Labcorp Genetics (formerly Invitae), Labcorp
Classification: Uncertain significance for Spondyloepimetaphyseal dysplasia, PAPSS2 type. Last evaluated: 2022-03-26. Review status: criteria provided, single submitter. Criteria: Invitae Variant Classification Sherloc (09022015). Collection method: clinical testing. Allele origin: germline.
Comment: This variant is present in population databases (rs746039103, gnomAD 0.01%). This sequence change falls in intron 7 of the PAPSS2 gene. It does not directly change the encoded amino acid sequence of the PAPSS2 protein. It affects a nucleotide within the consensus splice site. This variant has not been reported in the literature in individuals affected with PAPSS2-related conditions. Variants that disrupt the consensus splice site are a relatively common cause of aberrant splicing (PMID: 17576681, 9536098). Algorithms developed to predict the effect of sequence changes on RNA splicing suggest that this variant is not likely to affect RNA splicing. In summary, the available evidence is currently insufficient to determine the role of this variant in disease. Therefore, it has been classified as a Variant of Uncertain Significance.

Literature cited by the submitters: PubMed 17576681; PubMed 9536098.